The following is an entry in ClinVar:

ClinVar aggregate classification (germline): Uncertain significance (1 of 4 stars; one submission).

Conditions:
Hereditary cancer-predisposing syndrome. Also called: Hereditary neoplastic syndrome; Hereditary Cancer Syndrome; Neoplastic Syndromes, Hereditary; Tumor predisposition. Identifiers: Orphanet 140162, MedGen C0027672, MeSH D009386, MONDO:0015356.

Allele frequency attached by ClinVar (database versions not stated): TOPMed below 0.00001.

Submission:

Ambry Genetics
Classification: Uncertain significance for Hereditary cancer-predisposing syndrome. Last evaluated: 2023-04-28. Review status: criteria provided, single submitter. Criteria: Ambry Variant Classification Scheme 2023. Collection method: clinical testing. Allele origin: germline.
Comment: The p.A2388P variant (also known as c.7162G>C), located in coding exon 15 of the APC gene, results from a G to C substitution at nucleotide position 7162. The alanine at codon 2388 is replaced by proline, an amino acid with highly similar properties. This amino acid position is conserved. In addition, in silico predictors for this gene do not accurately predict pathogenicity. Since supporting evidence is limited at this time, the clinical significance of this alteration remains unclear.

NM_000038.6(APC):c.7162G>C (p.Ala2388Pro)

Gene: APC (APC regulator of Wnt signaling pathway; plus strand). Cytogenetic location: 5q22.2.
Variant type: single nucleotide variant.
Coding change: c.7162G>C on transcript NM_000038.6 (MANE Select); coding-DNA position 7162, G replaced by C.
Protein change: p.Ala2388Pro; replaces alanine 2388 with proline.
Molecular consequence: missense variant. On other transcripts: non-coding transcript variant (2).
Genome position (GRCh38, 1-based): chr5:112,842,756, G>C. VCF-style: chr5-112842756-G-C. GRCh37 (hg19) VCF-style: chr5-112178453-G-C.
Other names: c.7162G>C, p.Ala2388Pro (NM_001127510.3, NM_001354895.2, NM_001407450.1); c.7108G>C, p.Ala2370Pro (NM_001127511.3); c.7216G>C, p.Ala2406Pro (NM_001354896.2, NM_001407447.1, NM_001407448.1 and 1 more transcripts); c.7192G>C, p.Ala2398Pro (NM_001354897.2); c.7087G>C, p.Ala2363Pro (NM_001354898.2); c.7078G>C, p.Ala2360Pro (NM_001354899.2); c.7039G>C, p.Ala2347Pro (NM_001354900.2); c.6985G>C, p.Ala2329Pro (NM_001354901.2, NM_001407453.1); and 11 more; short protein forms A2259P, A2360P, A2398P, A2105P, A2287P, A2297P, A2329P, A2363P.
Identifiers: ClinVar variation 2567003 (VCV002567003.2), dbSNP rs1183808102, ClinGen allele CA16036929.